The following is an entry in ClinVar:

ClinVar aggregate classification (germline): Uncertain significance. Review status: criteria provided, multiple submitters, no conflicts (2 of 4 stars). 3 submissions from 3 submitters: Uncertain significance (3). Last evaluated 2025-09-24.

Allele frequency attached by ClinVar (database versions not stated): gnomAD exomes below 0.00001 and 0.00001; gnomAD 0.00002 and 0.00003; TOPMed 0.00002.
gnomAD v4.1: 15 of 1,614,050 alleles (0.00093%); highest among the groups gnomAD compares: South Asian, 0.0033%; no homozygotes.

Submissions (3):

Athena Diagnostics
Classification: Uncertain significance. Last evaluated: 2025-09-24. Review status: criteria provided, single submitter. Criteria: Athena Diagnostics Criteria. Collection method: clinical testing. Allele origin: unknown.
Comment: Available data are insufficient to determine the clinical significance of the variant at this time. The frequency of this variant in the general population is uninformative in assessment of its pathogenicity. Polyphen and MutationTaster yielded discordant predictions regarding whether this amino acid change is damaging to the protein.

Mayo Clinic Laboratories, Mayo Clinic
Classification: Uncertain significance. Last evaluated: 2025-06-05. Review status: criteria provided, single submitter. Criteria: ACMG Guidelines, 2015. Collection method: clinical testing. Allele origin: germline. Observed: 1 variant allele.

Eurofins Ntd Llc (ga)
Classification: Uncertain significance. Last evaluated: 2018-09-12. Review status: criteria provided, single submitter. Criteria: EGL ClinVar v180209 classification definitions. Collection method: clinical testing. Allele origin: germline. Observed: 1 variant allele, 1 heterozygote.

NM_182961.4(SYNE1):c.20632C>T (p.Arg6878Cys)

Gene: SYNE1 (spectrin repeat containing nuclear envelope protein 1; minus strand). Cytogenetic location: 6q25.2.
Variant type: single nucleotide variant.
Coding change: c.20632C>T on transcript NM_182961.4 (MANE Select); coding-DNA position 20632, C replaced by T.
Protein change: p.Arg6878Cys; replaces arginine 6878 with cysteine.
Molecular consequence: missense variant.
Genome position (GRCh38, 1-based): chr6:152,233,861, G>A on the plus strand (C>T on the coding strand, the complement: SYNE1 is on the minus strand). VCF-style: chr6-152233861-G-A. GRCh37 (hg19) VCF-style: chr6-152554996-G-A.
Other names: p.Arg6807Cys; c.20419C>T (NM_033071.3); c.20632C>T (NM_182961.2); c.20419C>T, p.Arg6807Cys (NM_033071.5); short protein forms R6807C, R6878C.
Identifiers: ClinVar variation 598680 (VCV000598680.6), dbSNP rs1043285819, ClinGen allele CA150191518.